The following is an entry in ClinVar:

ClinVar aggregate classification (germline): Conflicting classifications of pathogenicity. Review status: criteria provided, conflicting classifications (1 of 4 stars). 5 submissions from 5 submitters: Uncertain significance (2); Likely benign (3). Last evaluated 2025-12-20.

Conditions:
Hereditary cancer-predisposing syndrome. Also called: Hereditary Cancer Syndrome; Hereditary neoplastic syndrome; Tumor predisposition; Neoplastic Syndromes, Hereditary. Identifiers: Orphanet 140162, MedGen C0027672, MeSH D009386, MONDO:0015356.
Multiple endocrine neoplasia, type 1 (MEN1). Also called: MEN I; WERMER SYNDROME; Endocrine adenomatosis multiple; MEN 1; MEA I. Identifiers: Orphanet 652, MedGen C0025267, MeSH D018761, MONDO:0007540, OMIM 131100.

Allele frequency attached by ClinVar (database versions not stated): gnomAD exomes 0.00001 and 0.00002; gnomAD 0.00004 and 0.00005; TOPMed 0.00005.

Submissions (5):

Labcorp Genetics (formerly Invitae), Labcorp
Classification: Likely benign for Multiple endocrine neoplasia, type 1. Last evaluated: 2025-12-20. Review status: criteria provided, single submitter. Criteria: Invitae Variant Classification Sherloc (09022015). Collection method: clinical testing. Allele origin: germline.

Color Diagnostics, LLC DBA Color Health
Classification: Likely benign for Multiple endocrine neoplasia, type 1. Last evaluated: 2025-09-04. Review status: criteria provided, single submitter. Criteria: ACMG Guidelines, 2015. Collection method: clinical testing. Allele origin: germline.

Quest Diagnostics Nichols Institute San Juan Capistrano
Classification: Uncertain significance. Last evaluated: 2025-08-12. Review status: criteria provided, single submitter. Criteria: Quest Diagnostics criteria. Collection method: clinical testing. Allele origin: unknown.

All of Us Research Program, National Institutes of Health
Classification: Uncertain significance for Multiple endocrine neoplasia, type 1. Last evaluated: 2023-06-28. Review status: criteria provided, single submitter. Criteria: ACMG Guidelines, 2015. Collection method: clinical testing. Allele origin: germline. Inheritance: Autosomal dominant inheritance. Observed: 3 variant alleles, 3 heterozygotes.
Comment: This missense variant replaces glutamic acid with glycine at codon 547 of the MEN1 protein. Computational prediction suggests that this variant may not impact protein structure and function (internally defined REVEL score threshold <= 0.5, PMID: 27666373). To our knowledge, functional studies have not been reported for this variant. This variant has not been reported in individuals affected with MEN1-related disorders in the literature. This variant has been identified in 3/282624 chromosomes in the general population by the Genome Aggregation Database (gnomAD). The available evidence is insufficient to determine the role of this variant in disease conclusively. Therefore, this variant is classified as a Variant of Uncertain Significance.

This study involves interpretation of variants in research participants for the purpose of population health screening. Participant phenotype was not available at the time of variant classification. Additional details can be found in publication PMID: 35346344, PMCID: PMC8962531

Ambry Genetics
Classification: Likely benign for Hereditary cancer-predisposing syndrome. Last evaluated: 2022-05-27. Review status: criteria provided, single submitter. Criteria: Ambry Variant Classification Scheme 2023. Collection method: clinical testing. Allele origin: germline.

NM_001370259.2(MEN1):c.1640A>G (p.Glu547Gly)

Gene: MEN1 (menin 1; minus strand). Cytogenetic location: 11q13.1.
Variant type: single nucleotide variant.
Coding change: c.1640A>G on transcript NM_001370259.2 (MANE Select); coding-DNA position 1640, A replaced by G.
Protein change: p.Glu547Gly; replaces glutamic acid 547 with glycine.
Molecular consequence: missense variant.
Genome position (GRCh38, 1-based): chr11:64,804,527, T>C on the plus strand (A>G on the coding strand, the complement: MEN1 is on the minus strand). VCF-style: chr11-64804527-T-C. GRCh37 (hg19) VCF-style: chr11-64571999-T-C.
Other names: c.1655A>G, p.Glu552Gly (NM_000244.4, NM_130800.3, NM_130801.3 and 3 more transcripts); c.1766A>G, p.Glu589Gly (NM_001370251.2); c.1640A>G, p.Glu547Gly (NM_001370260.2, NM_001370261.2, NM_130799.3); c.1535A>G, p.Glu512Gly (NM_001370262.2, NM_001370263.2); short protein forms E547G, E552G, E512G, E589G.
Identifiers: ClinVar variation 457311 (VCV000457311.15), dbSNP rs914488914, ClinGen allele CA223911789.